The following is an entry in ClinVar:

ClinVar aggregate classification (germline): Uncertain significance (1 of 4 stars; one submission).

Conditions:
Frontotemporal dementia and/or amyotrophic lateral sclerosis 6 (FTDALS6). Also called: VCP-Related Amyotrophic Lateral Sclerosis; VCP-Related Amyotrophic Lateral Sclerosis/Frontotemporal Dementia. Identifiers: Orphanet 275872, Orphanet 803, MedGen C5436279, MONDO:0013501, OMIM 613954.
Inclusion body myopathy with Paget disease of bone and frontotemporal dementia. Also called: Inclusion body myopathy with early-onset Paget disease and frontotemporal dementia. Identifiers: Orphanet 52430, MedGen C1833662, MONDO:0000507.

Submission:

Labcorp Genetics (formerly Invitae), Labcorp
Classification: Uncertain significance for Inclusion body myopathy with early-onset Paget disease and frontotemporal dementia; Amyotrophic lateral sclerosis 14, with or without frontotemporal dementia. Last evaluated: 2019-04-17. Review status: criteria provided, single submitter. Criteria: Invitae Variant Classification Sherloc (09022015). Collection method: clinical testing. Allele origin: germline.
Comment: This sequence change falls in intron 4 of the VCP gene. It does not directly change the encoded amino acid sequence of the VCP protein, but it affects a nucleotide within the consensus splice site of the intron. This variant is not present in population databases (ExAC no frequency). This variant has not been reported in the literature in individuals with VCP-related conditions. Nucleotide substitutions within the consensus splice site are a relatively common cause of aberrant splicing (PMID: 17576681, 9536098). Algorithms developed to predict the effect of sequence changes on RNA splicing suggest that this variant is not likely to affect RNA splicing, but this prediction has not been confirmed by published transcriptional studies. In summary, the available evidence is currently insufficient to determine the role of this variant in disease. Therefore, it has been classified as a Variant of Uncertain Significance.

NM_007126.5(VCP):c.446-4_446-3delinsAT

Gene: VCP (valosin containing protein; minus strand). Cytogenetic location: 9p13.3.
Variant type: Indel.
Coding change: c.446-4_446-3delinsAT on transcript NM_007126.5 (MANE Select); 4 bases into the intron before coding-DNA position 446 through 3 bases into the intron before coding-DNA position 446, GC replaced by AT.
Molecular consequence: intron variant.
Genome position (GRCh38, 1-based): chr9:35,065,384-35,065,385, GC replaced by AT on the plus strand (GC replaced by AT on the coding strand, the reverse complement: VCP is on the minus strand). VCF-style: chr9-35065384-GC-AT. GRCh37 (hg19) VCF-style: chr9-35065381-GC-AT.
Other names: c.311-4_311-3delinsAT (NM_001354927.2, NM_001354928.2).
Identifiers: ClinVar variation 842949 (VCV000842949.1), dbSNP rs1828808684, ClinGen allele CA916082332.
Genomic context (GRCh38, chr9:35,065,384, plus strand): 5'-GTTTCCACCACTTTGAACTCCACAGCACGCATCCCACCACGGACAAGAAAAATGTCTCCT[GC>AT]GAGAGCAAACAGTACAAGCACAGTTAGAGGTGTCAACTACAAGACAAAGTGAGAACTCAT-3'